The following is an entry in ClinVar:

ClinVar aggregate classification (germline): Uncertain significance (1 of 4 stars; one submission).

Allele frequency attached by ClinVar (database versions not stated): gnomAD 0.00001; ExAC 0.00002.
gnomAD v4.1: 54 of 1,614,034 alleles (0.0033%); highest among the groups gnomAD compares: Non-Finnish European, 0.0038%; no homozygotes.

Submission:

Labcorp Genetics (formerly Invitae), Labcorp
Classification: Uncertain significance. Last evaluated: 2025-12-31. Review status: criteria provided, single submitter. Criteria: Invitae Variant Classification Sherloc (09022015). Collection method: clinical testing. Allele origin: germline.
Comment: This sequence change replaces arginine, which is basic and polar, with tryptophan, which is neutral and slightly polar, at codon 177 of the CSF2RB protein (p.Arg177Trp). This variant is present in population databases (rs755188718, gnomAD 0.004%). This variant has not been reported in the literature in individuals affected with CSF2RB-related conditions. ClinVar contains an entry for this variant (Variation ID: 1950374). Invitae Evidence Modeling of protein sequence and biophysical properties (such as structural, functional, and spatial information, amino acid conservation, physicochemical variation, residue mobility, and thermodynamic stability) indicates that this missense variant is expected to disrupt CSF2RB protein function with a positive predictive value of 80%. In summary, the available evidence is currently insufficient to determine the role of this variant in disease. Therefore, it has been classified as a Variant of Uncertain Significance.

NM_000395.3(CSF2RB):c.529C>T (p.Arg177Trp)

Gene: CSF2RB (colony stimulating factor 2 receptor subunit beta; plus strand). Cytogenetic location: 22q12.3.
Variant type: single nucleotide variant.
Coding change: c.529C>T on transcript NM_000395.3 (MANE Select); coding-DNA position 529, C replaced by T.
Protein change: p.Arg177Trp; replaces arginine 177 with tryptophan.
Molecular consequence: missense variant.
Genome position (GRCh38, 1-based): chr22:36,929,539, C>T. VCF-style: chr22-36929539-C-T. GRCh37 (hg19) VCF-style: chr22-37325581-C-T.
Other names: c.529C>T, p.Arg177Trp (NM_001410827.1); short protein forms R177W.
Identifiers: ClinVar variation 1950374 (VCV001950374.5), dbSNP rs755188718, ClinGen allele CA10213493.
Genomic context (GRCh38, chr22:36,929,539, plus strand): 5'-GGGAGTCCCCAGAGCCACTGGTTGTCCCCAGGGGATCTGGAGTTTGAGGTGGTCTACAAG[C>T]GGCTTCAGGACTCTTGGGAGGTAGGAACCACGGCCAGCTCTGCCCCAGCCCGAAGGGATG-3'
Protein context (NP_000386.1, residues 167-187): GDLEFEVVYK[Arg177Trp]LQDSWEDAAI